The following is an entry in ClinVar:

NM_006767.4(LZTR1):c.2161G>T (p.Glu721Ter)

Gene: LZTR1 (leucine zipper like post translational regulator 1; plus strand). Cytogenetic location: 22q11.21.
Variant type: single nucleotide variant.
Coding change: c.2161G>T on transcript NM_006767.4 (MANE Select); coding-DNA position 2161, G replaced by T.
Protein change: p.Glu721Ter; replaces glutamic acid 721 with a stop codon.
Molecular consequence: nonsense.
Genome position (GRCh38, 1-based): chr22:20,996,054, G>T. VCF-style: chr22-20996054-G-T. GRCh37 (hg19) VCF-style: chr22-21350343-G-T.
Other names: short protein forms E721*.
Identifiers: ClinVar variation 3656415 (VCV003656415.2).
Genomic context (GRCh38, chr22:20,996,054, plus strand): 5'-CCCGAAGATGGGCAGGTGAACATCTCCATCGGGGAGATGGTGCCCAGCAGGCAGGCCTTC[G>T]AGTCCATGCTGCGCTACATCTACTACGGCGAGGTCAACATGCCGCCCGAGGACTCGCTGC-3'

ClinVar aggregate classification (germline): Pathogenic. Review status: criteria provided, multiple submitters, no conflicts (2 of 4 stars). 2 submissions from 2 submitters: Pathogenic (2). Last evaluated 2025-11-25.

Conditions:
Noonan syndrome 10 (NS10). Identifiers: Orphanet 648, MedGen C4225280, MONDO:0014693, OMIM 616564.

Submissions (2):

Labcorp Genetics (formerly Invitae), Labcorp
Classification: Pathogenic. Last evaluated: 2025-11-25. Review status: criteria provided, single submitter. Criteria: Invitae Variant Classification Sherloc (09022015). Collection method: clinical testing. Allele origin: germline.
Comment: This sequence change creates a premature translational stop signal (p.Glu721*) in the LZTR1 gene. It is expected to result in an absent or disrupted protein product. Loss-of-function variants in LZTR1 are known to be pathogenic (PMID: 24362817, 25335493, 25480913, 25795793, 29469822, 30368668, 30442762, 30442766, 30481304, 30859559). This variant is not present in population databases (gnomAD no frequency). This variant has not been reported in the literature in individuals affected with LZTR1-related conditions. ClinVar contains an entry for this variant (Variation ID: 3656415). For these reasons, this variant has been classified as Pathogenic.

Department of Medical Genetics, Sanjay Gandhi Post Graduate Institute of Medical Sciences
Classification: Pathogenic for Noonan syndrome 10. Last evaluated: 2023-07-13. Review status: criteria provided, single submitter. Criteria: ACMG Guidelines, 2015. Collection method: research. Allele origin: de novo. Inheritance: Autosomal dominant inheritance. Affected: yes. Observed: 1 heterozygote.
Comment: This is predicted that this variant cause a premature translational stop signal (p.Glu721*) in the LZTR1 gene. It is expected to loss-of-function variants in LZTR1 are known to be pathogenic (PMID: 24362817). ACMG classified as Pathogenic (PVS1, PM2, PP5)

Literature cited by the submitters: PubMed 24362817 (cited by Labcorp Genetics (formerly Invitae), Labcorp); PubMed 25335493 (cited by Labcorp Genetics (formerly Invitae), Labcorp and Department of Medical Genetics, Sanjay Gandhi Post Graduate Institute of Medical Sciences); PubMed 25480913 (cited by Labcorp Genetics (formerly Invitae), Labcorp); PubMed 25795793 (cited by Labcorp Genetics (formerly Invitae), Labcorp); PubMed 29469822 (cited by Labcorp Genetics (formerly Invitae), Labcorp); PubMed 30368668 (cited by Labcorp Genetics (formerly Invitae), Labcorp); PubMed 30442762 (cited by Labcorp Genetics (formerly Invitae), Labcorp); PubMed 30442766 (cited by Labcorp Genetics (formerly Invitae), Labcorp); PubMed 30481304 (cited by Labcorp Genetics (formerly Invitae), Labcorp); PubMed 30859559 (cited by Labcorp Genetics (formerly Invitae), Labcorp).